The following is an entry in ClinVar:

NM_002691.4(POLD1):c.1802del (p.Leu601fs)

Gene: POLD1 (DNA polymerase delta 1, catalytic subunit; plus strand). Cytogenetic location: 19q13.33.
Variant type: Deletion.
Coding change: c.1802del on transcript NM_002691.4 (MANE Select); coding-DNA position 1802, one base deleted (T; older notation c.1802delT).
Protein change: p.Leu601fs; shifts the reading frame from leucine 601.
Molecular consequence: frameshift variant. On other transcripts: non-coding transcript variant (1).
Genome position (GRCh38, 1-based): chr19:50,408,811, T deleted. VCF-style (leftmost placement, unchanged base first): chr19-50408810-CT-C. GRCh37 (hg19) VCF-style: chr19-50912067-CT-C.
Other names: c.1802del, p.Leu601fs (NM_001256849.1); c.1880del, p.Leu627fs (NM_001308632.1); short protein forms L627fs, L601fs.
Identifiers: ClinVar variation 2825187 (VCV002825187.3), dbSNP rs2514011244, ClinGen allele CA2739276964.
Genomic context (GRCh38, chr19:50,408,810, plus strand): 5'-GCCCTGACTCCCGGCCGCGGCTGCTCCCCTCCCAGGTACTACGACGTCCCCATCGCCACC[CT>C]GGACTTCTCCTCGCTGTACCCGTCCATCATGATGGCCCACAACCTGTGTTACACCACGCT-3'

ClinVar aggregate classification (germline): Uncertain significance (1 of 4 stars; one submission).

Conditions:
POLD1-related polyposis and colorectal cancer syndrome (CRCS10). Also called: Colorectal cancer 10; COLORECTAL CANCER, SUSCEPTIBILITY TO, ON CHROMOSOME 19q; Colorectal cancer, susceptibility to, 10. Identifiers: Orphanet 220460, MedGen C2675481, MONDO:0012953, OMIM 612591.

Submission:

Labcorp Genetics (formerly Invitae), Labcorp
Classification: Uncertain significance for POLD1-related polyposis and colorectal cancer syndrome. Last evaluated: 2023-01-03. Review status: criteria provided, single submitter. Criteria: Invitae Variant Classification Sherloc (09022015). Collection method: clinical testing. Allele origin: germline.
Comment: In summary, the available evidence is currently insufficient to determine the role of this variant in disease. Therefore, it has been classified as a Variant of Uncertain Significance. This variant has not been reported in the literature in individuals affected with POLD1-related conditions. This variant is not present in population databases (gnomAD no frequency). This sequence change creates a premature translational stop signal (p.Leu601Argfs*11) in the POLD1 gene. Missense variants that disrupt the 3'-5' exonuclease (proof-reading) activity of the POLD1 protein are associated with PPAP (polymerase proofreading–associated polyposis) (PMID: 23263490, 23447401). However, loss-of-function variants that result in an absent or severely disrupted POLD1 protein, and missense variants outside the exonuclease domain, are unlikely to be associated with PPAP.

Literature cited by the submitters: PubMed 23263490; PubMed 23447401.